The following is an entry in ClinVar:

NM_014956.5(CEP164):c.2303A>G (p.Lys768Arg)

Gene: CEP164 (centrosomal protein 164; plus strand). Cytogenetic location: 11q23.3.
Variant type: single nucleotide variant.
Coding change: c.2303A>G on transcript NM_014956.5 (MANE Select); coding-DNA position 2303, A replaced by G.
Protein change: p.Lys768Arg; replaces lysine 768 with arginine.
Molecular consequence: missense variant.
Genome position (GRCh38, 1-based): chr11:117,392,245, A>G. VCF-style: chr11-117392245-A-G. GRCh37 (hg19) VCF-style: chr11-117262961-A-G.
Other names: c.2303A>G (NM_014956.4); c.2312A>G, p.Lys771Arg (NM_001271933.2); short protein forms K771R, K768R.
Identifiers: ClinVar variation 2178340 (VCV002178340.5), dbSNP rs969207580, ClinGen allele CA382725020.

ClinVar aggregate classification (germline): Conflicting classifications of pathogenicity. Review status: criteria provided, conflicting classifications (1 of 4 stars). 2 submissions from 2 submitters: Uncertain significance (1); Likely benign (1). Last evaluated 2025-09-10.

Conditions:
Inborn genetic diseases. Identifiers: MedGen C0950123, MeSH D030342.
Nephronophthisis 15 (NPHP15). Identifiers: Orphanet 3156, MedGen C3541853, MONDO:0013917, OMIM 614845.

Submissions (2):

Ambry Genetics
Classification: Likely benign for Inborn genetic diseases. Last evaluated: 2025-09-10. Review status: criteria provided, single submitter. Criteria: Ambry Variant Classification Scheme 2023. Collection method: clinical testing. Allele origin: germline.

Labcorp Genetics (formerly Invitae), Labcorp
Classification: Uncertain significance for Nephronophthisis 15. Last evaluated: 2024-03-09. Review status: criteria provided, single submitter. Criteria: Invitae Variant Classification Sherloc (09022015). Collection method: clinical testing. Allele origin: germline.
Comment: This sequence change replaces lysine, which is basic and polar, with arginine, which is basic and polar, at codon 768 of the CEP164 protein (p.Lys768Arg). This variant is not present in population databases (gnomAD no frequency). This variant has not been reported in the literature in individuals affected with CEP164-related conditions. ClinVar contains an entry for this variant (Variation ID: 2178340). Advanced modeling of protein sequence and biophysical properties (such as structural, functional, and spatial information, amino acid conservation, physicochemical variation, residue mobility, and thermodynamic stability) performed at Invitae indicates that this missense variant is not expected to disrupt CEP164 protein function with a negative predictive value of 80%. In summary, the available evidence is currently insufficient to determine the role of this variant in disease. Therefore, it has been classified as a Variant of Uncertain Significance.